The following is an entry in ClinVar:

ClinVar aggregate classification (germline): Uncertain significance. Review status: criteria provided, multiple submitters, no conflicts (2 of 4 stars). 5 submissions from 5 submitters: Uncertain significance (5). Last evaluated 2026-03-31.

Conditions:
RYR1-related disorder. Also called: RYR1-related condition; RYR1-related disorders. Identifiers: MedGen CN239331.
Malignant hyperthermia, susceptibility to, 1 (MHS1). Also called: RYR1-Related Malignant Hyperthermia Susceptibility; Anesthesia related hyperthermia; Malignant hyperpyrexia; Fulminating hyperpyrexia; Pharmacogenic myopathy; Malignant hyperthermia suceptibility 1. Identifiers: Orphanet 423, MedGen C2930980, MONDO:0007783, OMIM 145600.

Allele frequency attached by ClinVar (database versions not stated): gnomAD 0.00001; TOPMed 0.00002; gnomAD exomes 0.00001; ExAC below 0.00001.
gnomAD v4.1: 18 of 1,570,594 alleles (0.0011%); highest among the groups gnomAD compares: East Asian, 0.007%; no homozygotes.

Submissions (5):

GeneDx
Classification: Uncertain significance. Last evaluated: 2026-03-31. Review status: criteria provided, single submitter. Criteria: GeneDx Variant Classification Process June 2021. Collection method: clinical testing. Allele origin: germline.
Comment: Reported with other RYR1 variants, phase unknown, in a patient with developmental delay, muscle weakness, hypotonia, and abnormal gait (PMID: 30155738); Not observed at significant frequency in large population cohorts (gnomAD); In silico analysis supports that this missense variant has a deleterious effect on protein structure/function; This variant is associated with the following publications: (PMID: 33646171, 30155738, 32236737)

Color Diagnostics, LLC DBA Color Health
Classification: Uncertain significance for Malignant hyperthermia, susceptibility to, 1. Last evaluated: 2025-06-03. Review status: criteria provided, single submitter. Criteria: ACMG Guidelines, 2015. Collection method: clinical testing. Allele origin: germline.
Comment: This missense variant replaces arginine with histidine at codon 1606 of the RYR1 protein. Computational prediction suggests that this variant may have deleterious impact on protein structure and function. To our knowledge, functional studies have not been reported for this variant. This variant has not been reported in individuals affected with autosomal dominant malignant hyperthermia in the literature, although it is associated with other phenotype(s) (ClinVar Variation ID: 590543PMID: 30155738, 33646171, 32236737). This variant has been identified in 4/215092 chromosomes in the general population by the Genome Aggregation Database (gnomAD). Due to insufficient evidence, this variant is classified as a Variant of Uncertain Significance for autosomal dominant malignant hyperthermia.

All of Us Research Program, National Institutes of Health
Classification: Uncertain significance for Malignant hyperthermia, susceptibility to, 1. Last evaluated: 2023-12-14. Review status: criteria provided, single submitter. Criteria: ACMG Guidelines, 2015. Collection method: clinical testing. Allele origin: germline. Inheritance: Autosomal dominant inheritance. Observed: 4 variant alleles, 4 heterozygotes.
Comment: This missense variant replaces arginine with histidine at codon 1606 of the RYR1 protein. Computational prediction suggests that this variant may have deleterious impact on protein structure and function (internally defined REVEL score threshold >= 0.7, PMID: 27666373). To our knowledge, functional studies have not been reported for this variant. This variant has not been reported in individuals affected with autosomal dominant malignant hyperthermia in the literature, although it is associated with other phenotype(s) (ClinVar Variation ID: 590543; PMID: 30155738, 33646171, 32236737). This variant has been identified in 4/215092 chromosomes in the general population by the Genome Aggregation Database (gnomAD). Due to insufficient evidence, this variant is classified as a Variant of Uncertain Significance for autosomal dominant malignant hyperthermia.

This study involves interpretation of variants in research participants for the purpose of population health screening. Participant phenotype was not available at the time of variant classification. Additional details can be found in publication PMID: 35346344, PMCID: PMC8962531

Labcorp Genetics (formerly Invitae), Labcorp
Classification: Uncertain significance for RYR1-related disorder. Last evaluated: 2022-07-26. Review status: criteria provided, single submitter. Criteria: Invitae Variant Classification Sherloc (09022015). Collection method: clinical testing. Allele origin: germline.
Comment: This sequence change replaces arginine, which is basic and polar, with histidine, which is basic and polar, at codon 1606 of the RYR1 protein (p.Arg1606His). The frequency data for this variant in the population databases is considered unreliable, as metrics indicate poor data quality at this position in the gnomAD database. This missense change has been observed in individual(s) with RYR1-related disorders (PMID: 30155738). ClinVar contains an entry for this variant (Variation ID: 590543). Advanced modeling of protein sequence and biophysical properties (such as structural, functional, and spatial information, amino acid conservation, physicochemical variation, residue mobility, and thermodynamic stability) performed at Invitae indicates that this missense variant is expected to disrupt RYR1 protein function. In summary, the available evidence is currently insufficient to determine the role of this variant in disease. Therefore, it has been classified as a Variant of Uncertain Significance.

PreventionGenetics, part of Exact Sciences
Classification: Uncertain significance. Last evaluated: 2018-07-18. Review status: criteria provided, single submitter. Criteria: ACMG Guidelines, 2015. Collection method: clinical testing. Allele origin: germline.

Literature cited by the submitters: PubMed 30155738 (cited by All of Us Research Program, National Institutes of Health and Labcorp Genetics (formerly Invitae), Labcorp); PubMed 32236737 (cited by All of Us Research Program, National Institutes of Health); PubMed 33646171 (cited by All of Us Research Program, National Institutes of Health).

NM_000540.3(RYR1):c.4817G>A (p.Arg1606His)

Gene: RYR1 (ryanodine receptor 1; plus strand). Cytogenetic location: 19q13.2.
Variant type: single nucleotide variant.
Coding change: c.4817G>A on transcript NM_000540.3 (MANE Select); coding-DNA position 4817, G replaced by A.
Protein change: p.Arg1606His; replaces arginine 1606 with histidine.
Molecular consequence: missense variant.
Genome position (GRCh38, 1-based): chr19:38,483,399, G>A. VCF-style: chr19-38483399-G-A. GRCh37 (hg19) VCF-style: chr19-38974039-G-A.
Other names: c.4817G>A, p.Arg1606His (NM_001042723.2); short protein forms R1606H.
Identifiers: ClinVar variation 590543 (VCV000590543.10), dbSNP rs368399715, ClinGen allele CA066452.
Genomic context (GRCh38, chr19:38,483,399, plus strand): 5'-CGGCCCCGCAGTGCCCACCGCGGCTGGAGATGCAGATGCTGATGCCAGTGTCCTGGAGCC[G>A]CATGCCCAACCACTTCCTGCAGGTGGAGACGAGGCGTGCCGGCGAGCGGCTGGGCTGGGC-3'
Protein context (NP_000531.2, residues 1596-1616): MQMLMPVSWS[Arg1606His]MPNHFLQVET